The following is an entry in ClinVar:

ClinVar aggregate classification (germline): Uncertain significance (1 of 4 stars; one submission).

Conditions:
PPM1F-related condition.

gnomAD v4.1: 2 of 1,613,486 alleles (0.00012%); highest among the groups gnomAD compares: Admixed American, 0.0017%; no homozygotes.

Submission:

PreventionGenetics, part of Exact Sciences
Classification: Uncertain significance for PPM1F-related condition. Last evaluated: 2026-08-17. Review status: criteria provided, single submitter. Criteria: ACMG Guidelines, 2015. Collection method: clinical testing. Allele origin: germline.
Comment: The PPM1F c.1165G>A variant is predicted to result in the amino acid substitution p.Val389Ile. To our knowledge, this variant has not been reported in the literature. This variant is reported in 0.0058% of alleles in individuals of Latino descent in gnomAD. At this time, the clinical significance of this variant is uncertain due to the absence of conclusive functional and genetic evidence.

NM_014634.4(PPM1F):c.1165G>A (p.Val389Ile)

Gene: PPM1F (protein phosphatase, Mg2+/Mn2+ dependent 1F; minus strand). Cytogenetic location: 22q11.22.
Variant type: single nucleotide variant.
Coding change: c.1165G>A on transcript NM_014634.4 (MANE Select); coding-DNA position 1165, G replaced by A.
Protein change: p.Val389Ile; replaces valine 389 with isoleucine.
Molecular consequence: missense variant.
Genome position (GRCh38, 1-based): chr22:21,923,292, C>T on the plus strand (G>A on the coding strand, the complement: PPM1F is on the minus strand). VCF-style: chr22-21923292-C-T. GRCh37 (hg19) VCF-style: chr22-22277665-C-T.
Other names: c.661G>A, p.Val221Ile (NM_001410836.1); short protein forms V389I, V221I.
Identifiers: ClinVar variation 4995393 (VCV004995393.1).